The following is an entry in ClinVar:

NM_001018115.3(FANCD2):c.3538G>A (p.Asp1180Asn)

Genes: FANCD2 (FA complementation group D2; plus strand), FANCD2OS (FANCD2 opposite strand; minus strand). Cytogenetic location: 3p25.3.
Variant type: single nucleotide variant.
Coding change: c.3538G>A on transcript NM_001018115.3 (MANE Select); coding-DNA position 3538, G replaced by A.
Protein change: p.Asp1180Asn; replaces aspartic acid 1180 with asparagine.
Molecular consequence: missense variant. On other transcripts: intron variant (1).
Genome position (GRCh38, 1-based): chr3:10,088,520, G>A. VCF-style: chr3-10088520-G-A. GRCh37 (hg19) VCF-style: chr3-10130204-G-A.
Other names: c.3538G>A, p.Asp1180Asn (NM_001374254.1, NM_033084.6, NM_001319984.2); c.*44-6989C>T (NM_173472.2); c.3427G>A, p.Asp1143Asn (NM_001374253.1); short protein forms D1143N, D1180N.
Identifiers: ClinVar variation 4805196 (VCV004805196.1).

ClinVar aggregate classification (germline): Uncertain significance (1 of 4 stars; one submission).

Conditions:
Fanconi anemia (FA). Also called: Fanconi's anemia. Identifiers: Orphanet 84, MedGen C0015625, MeSH D005199, MONDO:0019391.

gnomAD v4.1: 37 of 1,607,064 alleles (0.0023%); highest among the groups gnomAD compares: South Asian, 0.041%; no homozygotes.

Submission:

Labcorp Genetics (formerly Invitae), Labcorp
Classification: Uncertain significance for Fanconi anemia. Last evaluated: 2026-01-26. Review status: criteria provided, single submitter. Criteria: Invitae Variant Classification Sherloc (09022015). Collection method: clinical testing. Allele origin: germline.
Comment: This sequence change replaces aspartic acid, which is acidic and polar, with asparagine, which is neutral and polar, at codon 1180 of the FANCD2 protein (p.Asp1180Asn). This variant is present in population databases (rs567825484, gnomAD 0.02%). This variant has not been reported in the literature in individuals affected with FANCD2-related conditions. Invitae Evidence Modeling of protein sequence and biophysical properties (such as structural, functional, and spatial information, amino acid conservation, physicochemical variation, residue mobility, and thermodynamic stability) indicates that this missense variant is expected to disrupt FANCD2 protein function with a positive predictive value of 80%. In summary, the available evidence is currently insufficient to determine the role of this variant in disease. Therefore, it has been classified as a Variant of Uncertain Significance.